The following is an entry in ClinVar:

NM_000350.3(ABCA4):c.455G>A (p.Arg152Gln)

Gene: ABCA4 (ATP binding cassette subfamily A member 4; minus strand). Cytogenetic location: 1p22.1.
Variant type: single nucleotide variant.
Coding change: c.455G>A on transcript NM_000350.3 (MANE Select); coding-DNA position 455, G replaced by A.
Protein change: p.Arg152Gln; replaces arginine 152 with glutamine.
Molecular consequence: missense variant.
Genome position (GRCh38, 1-based): chr1:94,103,130, C>T on the plus strand (G>A on the coding strand, the complement: ABCA4 is on the minus strand). VCF-style: chr1-94103130-C-T. GRCh37 (hg19) VCF-style: chr1-94568686-C-T.
Other names: c.455G>A, p.Arg152Gln (NM_001425324.1); short protein forms R152Q.
Identifiers: ClinVar variation 99301 (VCV000099301.76), dbSNP rs62646862, ClinGen allele CA227215.
Genomic context (GRCh38, chr1:94,103,130, plus strand): 5'-CCGATGTTTTTAATGAGAAATAGTGTCAGTGTTTCTTCATCTTTCAAGATATCCCTTATT[C>T]GTATTCCTCTTCCTACATATGAATAAGAGAAAGAACAGGGTGTTGAAGGGGAAATGGGTC-3'
Protein context (NP_000341.2, residues 142-162): HPERIAGRGI[Arg152Gln]IRDILKDEET

ClinVar aggregate classification (germline): Conflicting classifications of pathogenicity. Review status: criteria provided, conflicting classifications (1 of 4 stars). 13 submissions from 13 submitters: Uncertain significance (3); Likely benign (6). 4 of the submissions do not count toward it. Last evaluated 2026-01-27.

Conditions:
ABCA4-related disorder. Also called: ABCA4-related condition; ABCA4-related disorders. Identifiers: MedGen CN239167.
Retinal dystrophy. Also called: Inherited retinal dystrophy. Identifiers: Orphanet 71862, MedGen C0854723, MeSH D058499, MONDO:0019118, HP:0000556.
Stargardt disease (FFM). Also called: Fundus flavimaculatus; Stargardt's disease. Identifiers: Orphanet 827, MedGen C0271093, MONDO:0019353.
Severe early-childhood-onset retinal dystrophy (STGD1). Also called: MACULAR DYSTROPHY WITH FLECKS, TYPE 1; STGD; Stargardt macular dystrophy; Juvenile onset macular degeneration; Stargardt disease 1. Identifiers: Orphanet 364055, Orphanet 827, MedGen C1855465, MeSH D000080362, MONDO:0009549, OMIM 248200.

Allele frequency attached by ClinVar (database versions not stated): 1000 Genomes Project 0.00160; 1000 Genomes Project 30x 0.00172; gnomAD 0.00276 and 0.00287; TOPMed 0.00298; ESP Exome Variant Server 0.00300.
gnomAD v4.1: 6,892 of 1,613,942 alleles (0.43%); highest among the groups gnomAD compares: Non-Finnish European, 0.51%; 28 homozygotes.

Submissions (13):

Labcorp Genetics (formerly Invitae), Labcorp
Classification: Likely benign. Last evaluated: 2026-01-27. Review status: criteria provided, single submitter. Criteria: Invitae Variant Classification Sherloc (09022015). Collection method: clinical testing. Allele origin: germline.

CeGaT Center for Human Genetics Tuebingen
Classification: Likely benign. Last evaluated: 2025-05-01. Review status: criteria provided, single submitter. Criteria: CeGaT Center For Human Genetics Tuebingen Variant Classification Criteria Version 2. Collection method: clinical testing. Allele origin: germline. Affected: yes. Observed: 7 variant alleles.
Comment: ABCA4: BP4, BS2

Blueprint Genetics
Classification: Likely benign. Last evaluated: 2024-11-21. Review status: criteria provided, single submitter. Criteria: ACMG Guidelines, 2015. Collection method: clinical testing. Allele origin: germline.

ARUP Laboratories, Molecular Genetics and Genomics, ARUP Laboratories
Classification: Likely benign. Last evaluated: 2022-10-20. Review status: criteria provided, single submitter. Criteria: ARUP Molecular Germline Variant Investigation Process 2021. Collection method: clinical testing. Allele origin: germline.

Institute of Human Genetics, Univ. Regensburg, Univ. Regensburg
Classification: Uncertain significance for Retinal dystrophy. Last evaluated: 2022-01-01. Review status: criteria provided, single submitter. Criteria: ACMG Guidelines, 2015. Collection method: clinical testing. Allele origin: germline. Affected: yes.

Ocular Genomics Institute, Massachusetts Eye and Ear
Classification: Uncertain significance for Severe early-childhood-onset retinal dystrophy. Last evaluated: 2021-04-08. Review status: criteria provided, single submitter. Criteria: ACMG Guidelines, 2015. Collection method: research. Allele origin: germline. Affected: yes.
Comment: Through a review of available evidence we were able to apply the following criteria: BS1, PP3. Based on this evidence we have classified this variant as Variant of Uncertain Significance.

GeneDx
Classification: Likely benign. Last evaluated: 2020-02-27. Review status: criteria provided, single submitter. Criteria: GeneDx Variant Classification Process June 2021. Collection method: clinical testing. Allele origin: germline. Affected: yes.
Comment: This variant is associated with the following publications: (PMID: 11702214, 23143460, 22264887, 11385708, 26593885, 14517951, 15192030, 25444351, 28118664, 22328824, 15161829, 10958763, 23953153, 16917483, 26764160, 28898540, 29925512, 30093795, 31456290)

Illumina Laboratory Services, Illumina
Classification: Uncertain significance for ABCA4-Related Disorders. Last evaluated: 2017-04-27. Review status: criteria provided, single submitter. Criteria: ICSL Variant Classification Criteria 13 December 2019. Collection method: clinical testing. Allele origin: germline.

Eurofins Ntd Llc (ga)
Classification: Likely benign. Last evaluated: 2015-12-21. Review status: criteria provided, single submitter. Criteria: EGL Classification Definitions 2015. Collection method: clinical testing. Allele origin: germline. Observed: 1 variant allele, 1 heterozygote.

PreventionGenetics, part of Exact Sciences
Classification: Likely benign for ABCA4-related condition. Last evaluated: 2024-08-28. Review status: no assertion criteria provided. Collection method: clinical testing. Allele origin: germline. Not counted in ClinVar's aggregate classification.
Comment: This variant is classified as likely benign based on ACMG/AMP sequence variant interpretation guidelines (Richards et al. 2015 PMID: 25741868, with internal and published modifications).

Department of Pathology and Laboratory Medicine, Sinai Health System
Classification: Likely benign. Review status: no assertion criteria provided. Collection method: clinical testing. Allele origin: unknown. Affected: yes. Study: The Canadian Open Genetics Repository (COGR). Not counted in ClinVar's aggregate classification.
Comment: The ABCA4 p.Arg152Gln variant was identified in 5 of 958 proband chromosomes (frequency: 0.005) from individuals or families with Stargardt Disease and Age-related Macular Degeneration and was present in 3 of 440 control chromosomes (frequency: 0.0068) from healthy individuals (Rivera_2000_PMID:10958763; Schulz_2017_PMID:28118664). The variant was also identified in dbSNP (ID: rs62646862), LOVD 3.0 and in ClinVar (classified as likely benign by EGL Genetics, GeneDx and ARUP Laboratories and as likely pathogenic by the University Regensberg Institute of Human Genetics). The variant was not identified in Cosmic. The variant was identified in control databases in 651 of 251232 chromosomes (2 homozygous) at a frequency of 0.002591 increasing the likelihood this could be a low frequency benign variant (Genome Aggregation Database Feb 27, 2017). The variant was observed in the following populations: European (non-Finnish) in 420 of 113574 chromosomes (freq: 0.003698), South Asian in 96 of 30610 chromosomes (freq: 0.003136), Other in 18 of 6136 chromosomes (freq: 0.002934), Latino in 86 of 34578 chromosomes (freq: 0.002487), African in 14 of 16230 chromosomes (freq: 0.000863) and European (Finnish) in 17 of 21646 chromosomes (freq: 0.000785); it was not observed in the Ashkenazi Jewish and East Asian populations. The p.Arg152 residue is not conserved in mammals and four out of five computational analyses (PolyPhen-2, SIFT, AlignGVGD, BLOSUM) do not suggest a high likelihood of impact to the protein; however, this information is not predictive enough to rule out pathogenicity. The variant occurs outside of the splicing consensus sequence and in silico or computational prediction software programs (SpliceSiteFinder, MaxEntScan, NNSPLICE, GeneSplicer) do not predict a difference in splicing. In summary, based on the above information the clinical significance of this variant cannot be determined with certainty at this time although we would lean towards a more benign role for this variant. This variant is classified as likely benign.

Retina International
No classification provided. Review status: no classification provided. Collection method: not provided. Allele origin: unknown. Not counted in ClinVar's aggregate classification.

Sharon lab, Hadassah-Hebrew University Medical Center
Classification: Likely pathogenic for Stargardt disease. Last evaluated: 2019-06-23. Review status: flagged submission. Collection method: research. Allele origin: inherited. Affected: yes. Not counted in ClinVar's aggregate classification.
ClinVar note: Reason: Outlier claim with insufficient supporting evidence

Literature cited by the submitters: PubMed 11385708 (cited by Institute of Human Genetics, Univ. Regensburg, Univ. Regensburg and Ocular Genomics Institute, Massachusetts Eye and Ear); PubMed 23143460 (cited by Institute of Human Genetics, Univ. Regensburg, Univ. Regensburg and Ocular Genomics Institute, Massachusetts Eye and Ear); PubMed 22264887 (cited by Institute of Human Genetics, Univ. Regensburg, Univ. Regensburg and Ocular Genomics Institute, Massachusetts Eye and Ear); PubMed 25525159 (cited by Institute of Human Genetics, Univ. Regensburg, Univ. Regensburg and Ocular Genomics Institute, Massachusetts Eye and Ear); PubMed 26764160 (cited by Institute of Human Genetics, Univ. Regensburg, Univ. Regensburg and Ocular Genomics Institute, Massachusetts Eye and Ear); PubMed 30093795 (cited by Institute of Human Genetics, Univ. Regensburg, Univ. Regensburg and Ocular Genomics Institute, Massachusetts Eye and Ear); PubMed 29925512 (cited by Institute of Human Genetics, Univ. Regensburg, Univ. Regensburg and Ocular Genomics Institute, Massachusetts Eye and Ear); PubMed 32307445 (cited by Institute of Human Genetics, Univ. Regensburg, Univ. Regensburg); PubMed 31456290 (cited by Institute of Human Genetics, Univ. Regensburg, Univ. Regensburg and Ocular Genomics Institute, Massachusetts Eye and Ear); PubMed 32531858 (cited by Institute of Human Genetics, Univ. Regensburg, Univ. Regensburg); PubMed 31816670 (cited by Institute of Human Genetics, Univ. Regensburg, Univ. Regensburg); PubMed 34198153 (cited by Institute of Human Genetics, Univ. Regensburg, Univ. Regensburg); PubMed 28118664 (cited by Institute of Human Genetics, Univ. Regensburg, Univ. Regensburg and Ocular Genomics Institute, Massachusetts Eye and Ear).